The following is an entry in ClinVar:

NM_003647.3(DGKE):c.744G>C (p.Gln248His)

Gene: DGKE (diacylglycerol kinase epsilon; plus strand). Cytogenetic location: 17q22.
Variant type: single nucleotide variant.
Coding change: c.744G>C on transcript NM_003647.3 (MANE Select); coding-DNA position 744, G replaced by C.
Protein change: p.Gln248His; replaces glutamine 248 with histidine.
Molecular consequence: missense variant.
Genome position (GRCh38, 1-based): chr17:56,845,809, G>C. VCF-style: chr17-56845809-G-C. GRCh37 (hg19) VCF-style: chr17-54923170-G-C.
Other names: short protein forms Q248H.
Identifiers: ClinVar variation 4280363 (VCV004280363.1).

ClinVar aggregate classification (germline): Likely pathogenic, low penetrance (1 of 4 stars; one submission).

Conditions:
Atypical hemolytic-uremic syndrome. Identifiers: Orphanet 2134, MedGen C2931788, MONDO:0016244.

Submission:

Genomenon, Inc
Classification: Likely pathogenic, low penetrance for Atypical hemolytic-uremic syndrome. Last evaluated: 2025-09-26. Review status: criteria provided, single submitter. Criteria: Genomenon Sequence Variant Interpretation Standards - Updated. Collection method: curation. Allele origin: germline. Affected: yes.
Comment: DGKE p.Gln248His (c.744G>C) is a missense variant that changes the amino acid at residue 248 from Glutamine to Histidine. This variant has been observed in at least one proband affected with atypical hemolytic-uremic syndrome (PMID:25135762). It has been observed in trans with a pathogenic variant (PMID:25135762). It is absent or not present at a significant frequency in gnomAD. In silico models agree that this variant is possibly or probably damaging. In conclusion, we classify DGKE p.Gln248His (c.744G>C) as a likely pathogenic, low penetrance variant.

Literature cited by the submitters: PubMed 25135762.